The following is an entry in ClinVar:

NM_001556.3(IKBKB):c.1637A>G (p.Asp546Gly)

Gene: IKBKB (inhibitor of nuclear factor kappa B kinase subunit beta; plus strand). Cytogenetic location: 8p11.21.
Variant type: single nucleotide variant.
Coding change: c.1637A>G on transcript NM_001556.3 (MANE Select); coding-DNA position 1637, A replaced by G.
Protein change: p.Asp546Gly; replaces aspartic acid 546 with glycine.
Molecular consequence: missense variant. On other transcripts: non-coding transcript variant (3).
Genome position (GRCh38, 1-based): chr8:42,320,793, A>G. VCF-style: chr8-42320793-A-G. GRCh37 (hg19) VCF-style: chr8-42178311-A-G.
Other names: c.1445A>G, p.Asp482Gly (NM_001190720.3); c.1460A>G, p.Asp487Gly (NM_001242778.2); short protein forms D487G, D482G, D546G.
Identifiers: ClinVar variation 1485757 (VCV001485757.8), dbSNP rs2130671505, ClinGen allele CA371091188.

ClinVar aggregate classification (germline): Uncertain significance (1 of 4 stars; one submission).

Conditions:
Severe combined immunodeficiency due to IKK2 deficiency. Also called: IMMUNODEFICIENCY 15B; Immunodeficiency 15. Identifiers: Orphanet 397787, MedGen C4747743, MONDO:0014267, OMIM 615592.

Submission:

Labcorp Genetics (formerly Invitae), Labcorp
Classification: Uncertain significance for Severe combined immunodeficiency due to IKK2 deficiency. Last evaluated: 2025-07-07. Review status: criteria provided, single submitter. Criteria: Invitae Variant Classification Sherloc (09022015). Collection method: clinical testing. Allele origin: germline.
Comment: This sequence change replaces aspartic acid, which is acidic and polar, with glycine, which is neutral and non-polar, at codon 546 of the IKBKB protein (p.Asp546Gly). This variant is not present in population databases (gnomAD no frequency). This variant has not been reported in the literature in individuals affected with IKBKB-related conditions. ClinVar contains an entry for this variant (Variation ID: 1485757). Invitae Evidence Modeling of protein sequence and biophysical properties (such as structural, functional, and spatial information, amino acid conservation, physicochemical variation, residue mobility, and thermodynamic stability) indicates that this missense variant is not expected to disrupt IKBKB protein function with a negative predictive value of 95%. In summary, the available evidence is currently insufficient to determine the role of this variant in disease. Therefore, it has been classified as a Variant of Uncertain Significance.